The following is an entry in ClinVar:

NM_001039.4(SCNN1G):c.1244C>T (p.Pro415Leu)

Gene: SCNN1G (sodium channel epithelial 1 subunit gamma; plus strand). Cytogenetic location: 16p12.2.
Variant type: single nucleotide variant.
Coding change: c.1244C>T on transcript NM_001039.4 (MANE Select); coding-DNA position 1244, C replaced by T.
Protein change: p.Pro415Leu; replaces proline 415 with leucine.
Molecular consequence: missense variant.
Genome position (GRCh38, 1-based): chr16:23,212,101, C>T. VCF-style: chr16-23212101-C-T. GRCh37 (hg19) VCF-style: chr16-23223422-C-T.
Other names: c.1244C>T (NM_001039.3); short protein forms P415L.
Identifiers: ClinVar variation 2888928 (VCV002888928.4), dbSNP rs761872577, ClinGen allele CA7959813.

ClinVar aggregate classification (germline): Uncertain significance. Review status: criteria provided, multiple submitters, no conflicts (2 of 4 stars). 2 submissions from 2 submitters: Uncertain significance (2). Last evaluated 2025-08-31.

Conditions:
Inborn genetic diseases. Identifiers: MedGen C0950123, MeSH D030342.

Allele frequency attached by ClinVar (database versions not stated): gnomAD 0.00003; TOPMed 0.00004; ExAC 0.00001.
gnomAD v4.1: 8 of 1,613,972 alleles (0.0005%); highest among the groups gnomAD compares: African/African-American, 0.0093%; no homozygotes.

Submissions (2):

Ambry Genetics
Classification: Uncertain significance for Inborn genetic diseases. Last evaluated: 2025-08-31. Review status: criteria provided, single submitter. Criteria: Ambry Variant Classification Scheme 2023. Collection method: clinical testing. Allele origin: germline.

Labcorp Genetics (formerly Invitae), Labcorp
Classification: Uncertain significance. Last evaluated: 2025-06-12. Review status: criteria provided, single submitter. Criteria: Invitae Variant Classification Sherloc (09022015). Collection method: clinical testing. Allele origin: germline.
Comment: This sequence change replaces proline, which is neutral and non-polar, with leucine, which is neutral and non-polar, at codon 415 of the SCNN1G protein (p.Pro415Leu). This variant is present in population databases (rs761872577, gnomAD 0.007%). This variant has not been reported in the literature in individuals affected with SCNN1G-related conditions. ClinVar contains an entry for this variant (Variation ID: 2888928). Invitae Evidence Modeling of protein sequence and biophysical properties (such as structural, functional, and spatial information, amino acid conservation, physicochemical variation, residue mobility, and thermodynamic stability) indicates that this missense variant is not expected to disrupt SCNN1G protein function with a negative predictive value of 80%. In summary, the available evidence is currently insufficient to determine the role of this variant in disease. Therefore, it has been classified as a Variant of Uncertain Significance.